The following is an entry in ClinVar:

NM_005956.4(MTHFD1):c.272A>T (p.Asp91Val)

Gene: MTHFD1 (methylenetetrahydrofolate dehydrogenase, cyclohydrolase and formyltetrahydrofolate synthetase 1; plus strand). Cytogenetic location: 14q23.3.
Variant type: single nucleotide variant.
Coding change: c.272A>T on transcript NM_005956.4 (MANE Select); coding-DNA position 272, A replaced by T.
Protein change: p.Asp91Val; replaces aspartic acid 91 with valine.
Molecular consequence: missense variant.
Genome position (GRCh38, 1-based): chr14:64,415,389, A>T. VCF-style: chr14-64415389-A-T. GRCh37 (hg19) VCF-style: chr14-64882107-A-T.
Other names: c.272A>T, p.Asp91Val (NM_001364837.1); short protein forms D91V.
Identifiers: ClinVar variation 4625282 (VCV004625282.2).
Genomic context (GRCh38, chr14:64,415,389, plus strand): 5'-ATACAAATTATATATGGTATTACTTTTAGGTGATGAAGTACATTACATCTTTGAATGAAG[A>T]CTCTACTGTACATGGGTTCTTAGTGCAGCTACCTTTAGATTCAGAGAATTCCATTAACAC-3'
Protein context (NP_005947.3, residues 81-101): VMKYITSLNE[Asp91Val]STVHGFLVQL

ClinVar aggregate classification (germline): Uncertain significance. Review status: criteria provided, multiple submitters, no conflicts (2 of 4 stars). 2 submissions from 2 submitters: Uncertain significance (2). Last evaluated 2025-12-09.

Conditions:
Inborn genetic diseases. Identifiers: MedGen C0950123, MeSH D030342.

gnomAD v4.1: 4 of 1,609,238 alleles (0.00025%); highest among the groups gnomAD compares: African/African-American, 0.0013%; no homozygotes.

Submissions (2):

Ambry Genetics
Classification: Uncertain significance for Inborn genetic diseases. Last evaluated: 2025-12-09. Review status: criteria provided, single submitter. Criteria: Ambry Variant Classification Scheme 2023. Collection method: clinical testing. Allele origin: germline.

Labcorp Genetics (formerly Invitae), Labcorp
Classification: Uncertain significance. Last evaluated: 2025-05-19. Review status: criteria provided, single submitter. Criteria: Invitae Variant Classification Sherloc (09022015). Collection method: clinical testing. Allele origin: germline.
Comment: This sequence change replaces aspartic acid, which is acidic and polar, with valine, which is neutral and non-polar, at codon 91 of the MTHFD1 protein (p.Asp91Val). This variant is not present in population databases (gnomAD no frequency). This variant has not been reported in the literature in individuals affected with MTHFD1-related conditions. Invitae Evidence Modeling of protein sequence and biophysical properties (such as structural, functional, and spatial information, amino acid conservation, physicochemical variation, residue mobility, and thermodynamic stability) indicates that this missense variant is expected to disrupt MTHFD1 protein function with a positive predictive value of 80%. In summary, the available evidence is currently insufficient to determine the role of this variant in disease. Therefore, it has been classified as a Variant of Uncertain Significance.